The following is an entry in ClinVar:

NM_001012720.2(RGR):c.493G>T (p.Asp165Tyr)

Gene: RGR (retinal G protein coupled receptor; plus strand). Cytogenetic location: 10q23.1.
Variant type: single nucleotide variant.
Coding change: c.493G>T on transcript NM_001012720.2 (MANE Select); coding-DNA position 493, G replaced by T.
Protein change: p.Asp165Tyr; replaces aspartic acid 165 with tyrosine.
Molecular consequence: missense variant.
Genome position (GRCh38, 1-based): chr10:84,252,991, G>T. VCF-style: chr10-84252991-G-T. GRCh37 (hg19) VCF-style: chr10-86012747-G-T.
Other names: c.493G>T, p.Asp165Tyr (NM_001012722.2); c.505G>T, p.Asp169Tyr (NM_002921.4); short protein forms D169Y, D165Y.
Identifiers: ClinVar variation 301320 (VCV000301320.19), dbSNP rs149516779, ClinGen allele CA5581451.
Genomic context (GRCh38, chr10:84,252,991, plus strand): 5'-CTGCCCCTTCTGGGTTGGGGTCACTACGACTATGAGCCACTGGGGACATGCTGCACCCTG[G>T]ACTACTCCAAGGGGGACAGGTGAGGTGGGAGGAGCAGCTTCGAGGCTCCTATCCATGGGA-3'
Protein context (NP_001012738.1, residues 155-175): YEPLGTCCTL[Asp165Tyr]YSKGDRNFTS

ClinVar aggregate classification (germline): Conflicting classifications of pathogenicity. Review status: criteria provided, conflicting classifications (1 of 4 stars). 8 submissions from 8 submitters: Uncertain significance (3); Likely benign (1). 4 of the submissions do not count toward it. Last evaluated 2025-11-10.

Conditions:
Retinal dystrophy. Also called: Inherited retinal dystrophy. Identifiers: Orphanet 71862, MedGen C0854723, MeSH D058499, MONDO:0019118, HP:0000556.
RGR-related disorder. Also called: RGR-related condition.
Retinitis pigmentosa (RP). Identifiers: Orphanet 791, MedGen C0035334, MeSH D012174, MONDO:0019200, OMIM 268000. Inheritance: Autosomal dominant, autosomal recessive and X linked inheritance.

Allele frequency attached by ClinVar (database versions not stated): TOPMed 0.00062; ExAC 0.00067; ESP Exome Variant Server 0.00069; gnomAD exomes 0.00070 and 0.00088; gnomAD 0.00080 and 0.00081.
gnomAD v4.1: 1,385 of 1,613,664 alleles (0.086%); highest among the groups gnomAD compares: Admixed American, 0.14%; 1 homozygote.

Submissions (8):

Labcorp Genetics (formerly Invitae), Labcorp
Classification: Uncertain significance. Last evaluated: 2025-11-10. Review status: criteria provided, single submitter. Criteria: Invitae Variant Classification Sherloc (09022015). Collection method: clinical testing. Allele origin: germline.
Comment: This sequence change replaces aspartic acid, which is acidic and polar, with tyrosine, which is neutral and polar, at codon 165 of the RGR protein (p.Asp165Tyr). This variant is present in population databases (rs149516779, gnomAD 0.1%), and has an allele count higher than expected for a pathogenic variant. This variant has not been reported in the literature in individuals affected with RGR-related conditions. ClinVar contains an entry for this variant (Variation ID: 301320). Experimental studies and prediction algorithms are not available or were not evaluated, and the functional significance of this variant is currently unknown. In summary, the available evidence is currently insufficient to determine the role of this variant in disease. Therefore, it has been classified as a Variant of Uncertain Significance.

Blueprint Genetics
Classification: Likely benign. Last evaluated: 2024-11-26. Review status: criteria provided, single submitter. Criteria: ACMG Guidelines, 2015. Collection method: clinical testing. Allele origin: germline.

Illumina Laboratory Services, Illumina
Classification: Uncertain significance for Retinitis pigmentosa. Last evaluated: 2018-01-13. Review status: criteria provided, single submitter. Criteria: ICSL Variant Classification Criteria 13 December 2019. Collection method: clinical testing. Allele origin: germline.

Breakthrough Genomics
Classification: Uncertain significance. Review status: criteria provided, single submitter. Criteria: ACMG Guidelines, 2015. Collection method: not provided. Allele origin: germline. Inheritance: Unknown mechanism. Affected: yes.

PreventionGenetics, part of Exact Sciences
Classification: Uncertain significance for RGR-related condition. Last evaluated: 2024-08-21. Review status: no assertion criteria provided. Collection method: clinical testing. Allele origin: germline. Not counted in ClinVar's aggregate classification.
Comment: The RGR c.493G>T variant is predicted to result in the amino acid substitution p.Asp165Tyr. To our knowledge, this variant has not been reported in the literature. This variant is reported in 0.11% of alleles in individuals of Latino descent in gnomAD including one homozygous individual in the latest dataset, which may be too common to be an unreported cause of disease. Although we suspect that this variant may be benign, at this time, the clinical significance of this variant is uncertain due to the absence of conclusive functional and genetic evidence.

Institute of Human Genetics, Univ. Regensburg, Univ. Regensburg
Classification: Uncertain significance for Retinal dystrophy. Last evaluated: 2023-01-01. Review status: no assertion criteria provided. Criteria: ACMG Guidelines, 2015. Collection method: clinical testing. Allele origin: germline. Affected: yes. Not counted in ClinVar's aggregate classification.

Clinical Genetics DNA and cytogenetics Diagnostics Lab, Erasmus MC, Erasmus Medical Center
Classification: Uncertain significance. Review status: no assertion criteria provided. Collection method: clinical testing. Allele origin: germline. Affected: yes. Study: VKGL Data-share Consensus. Not counted in ClinVar's aggregate classification.

Clinical Genetics, Academic Medical Center
Classification: Uncertain significance. Review status: no assertion criteria provided. Collection method: clinical testing. Allele origin: germline. Affected: yes. Study: VKGL Data-share Consensus. Not counted in ClinVar's aggregate classification.